The following is an entry in ClinVar:

ClinVar aggregate classification (germline): Uncertain significance (1 of 4 stars; one submission).

Submission:

Labcorp Genetics (formerly Invitae), Labcorp
Classification: Uncertain significance. Last evaluated: 2022-02-28. Review status: criteria provided, single submitter. Criteria: Invitae Variant Classification Sherloc (09022015). Collection method: clinical testing. Allele origin: germline.
Comment: This sequence change replaces glutamine, which is neutral and polar, with glutamic acid, which is acidic and polar, at codon 5 of the GABRB1 protein (p.Gln5Glu). This variant is not present in population databases (gnomAD no frequency). This variant has not been reported in the literature in individuals affected with GABRB1-related conditions. Algorithms developed to predict the effect of missense changes on protein structure and function are either unavailable or do not agree on the potential impact of this missense change (SIFT: "Deleterious"; PolyPhen-2: "Benign"; Align-GVGD: "Class C0"). In summary, the available evidence is currently insufficient to determine the role of this variant in disease. Therefore, it has been classified as a Variant of Uncertain Significance.

NM_000812.4(GABRB1):c.13C>G (p.Gln5Glu)

Gene: GABRB1 (gamma-aminobutyric acid type A receptor subunit beta1; plus strand). Cytogenetic location: 4p12.
Variant type: single nucleotide variant.
Coding change: c.13C>G on transcript NM_000812.4 (MANE Select); coding-DNA position 13, C replaced by G.
Protein change: p.Gln5Glu; replaces glutamine 5 with glutamic acid.
Molecular consequence: missense variant.
Genome position (GRCh38, 1-based): chr4:47,031,664, C>G. VCF-style: chr4-47031664-C-G. GRCh37 (hg19) VCF-style: chr4-47033681-C-G.
Other names: short protein forms Q5E.
Identifiers: ClinVar variation 2065836 (VCV002065836.4), dbSNP rs2475082524, ClinGen allele CA356805141.